The following is an entry in ClinVar:

NM_001077653.2(TBX20):c.230C>T (p.Ser77Phe)

Gene: TBX20 (T-box transcription factor 20; minus strand). Cytogenetic location: 7p14.2.
Variant type: single nucleotide variant.
Coding change: c.230C>T on transcript NM_001077653.2 (MANE Select); coding-DNA position 230, C replaced by T.
Protein change: p.Ser77Phe; replaces serine 77 with phenylalanine.
Molecular consequence: missense variant.
Genome position (GRCh38, 1-based): chr7:35,250,101, G>A on the plus strand (C>T on the coding strand, the complement: TBX20 is on the minus strand). VCF-style: chr7-35250101-G-A. GRCh37 (hg19) VCF-style: chr7-35289713-G-A.
Other names: c.230C>T, p.Ser77Phe (NM_001166220.1); short protein forms S77F.
Identifiers: ClinVar variation 3232611 (VCV003232611.3), dbSNP rs1179432793, ClinGen allele CA367265210.

ClinVar aggregate classification (germline): Uncertain significance. Review status: criteria provided, multiple submitters, no conflicts (2 of 4 stars). 2 submissions from 2 submitters: Uncertain significance (2). Last evaluated 2024-04-04.

Conditions:
Cardiovascular phenotype. Identifiers: MedGen CN230736.

Allele frequency attached by ClinVar (database versions not stated): gnomAD 0.00001; TOPMed 0.00001.
gnomAD v4.1: 1 of 1,613,648 alleles (0.000062%); highest among the groups gnomAD compares: African/African-American, 0.0013%; no homozygotes.

Submissions (2):

Labcorp Genetics (formerly Invitae), Labcorp
Classification: Uncertain significance. Last evaluated: 2024-04-04. Review status: criteria provided, single submitter. Criteria: Invitae Variant Classification Sherloc (09022015). Collection method: clinical testing. Allele origin: germline.
Comment: This sequence change replaces serine, which is neutral and polar, with phenylalanine, which is neutral and non-polar, at codon 77 of the TBX20 protein (p.Ser77Phe). This variant is not present in population databases (gnomAD no frequency). This variant has not been reported in the literature in individuals affected with TBX20-related conditions. An algorithm developed to predict the effect of missense changes on protein structure and function (PolyPhen-2) suggests that this variant is likely to be tolerated. In summary, the available evidence is currently insufficient to determine the role of this variant in disease. Therefore, it has been classified as a Variant of Uncertain Significance.

Ambry Genetics
Classification: Uncertain significance for Cardiovascular phenotype. Last evaluated: 2023-11-05. Review status: criteria provided, single submitter. Criteria: Ambry Variant Classification Scheme 2023. Collection method: clinical testing. Allele origin: germline.
Comment: The p.S77F variant (also known as c.230C>T), located in coding exon 2 of the TBX20 gene, results from a C to T substitution at nucleotide position 230. The serine at codon 77 is replaced by phenylalanine, an amino acid with highly dissimilar properties. This amino acid position is conserved. In addition, this alteration is predicted to be tolerated by in silico analysis. Since supporting evidence is limited at this time, the clinical significance of this alteration remains unclear.